The following is an entry in ClinVar:

ClinVar aggregate classification (germline): Likely benign. Review status: criteria provided, multiple submitters, no conflicts (2 of 4 stars). 2 submissions from 2 submitters: Likely benign (2). Last evaluated 2025-08-17.

Conditions:
BRPF1-related disorder. Also called: BRPF1-related condition.
Inborn genetic diseases. Identifiers: MedGen C0950123, MeSH D030342.

Submissions (2):

PreventionGenetics, part of Exact Sciences
Classification: Likely benign for BRPF1-related condition. Last evaluated: 2025-08-17. Review status: criteria provided, single submitter. Criteria: ACMG Guidelines, 2015. Collection method: clinical testing. Allele origin: germline.
Comment: This variant is classified as likely benign based on ACMG/AMP sequence variant interpretation guidelines (Richards et al. 2015 PMID: 25741868, with internal and published modifications).

Ambry Genetics
Classification: Likely benign for Inborn genetic diseases. Last evaluated: 2024-10-06. Review status: criteria provided, single submitter. Criteria: Ambry Variant Classification Scheme 2023. Collection method: clinical testing. Allele origin: germline.

NM_001003694.2(BRPF1):c.500A>G (p.Asn167Ser)

Gene: BRPF1 (bromodomain and PHD finger containing 1; plus strand). Cytogenetic location: 3p25.3.
Variant type: single nucleotide variant.
Coding change: c.500A>G on transcript NM_001003694.2 (MANE Select); coding-DNA position 500, A replaced by G.
Protein change: p.Asn167Ser; replaces asparagine 167 with serine.
Molecular consequence: missense variant. On other transcripts: non-coding transcript variant (1).
Genome position (GRCh38, 1-based): chr3:9,734,640, A>G. VCF-style: chr3-9734640-A-G. GRCh37 (hg19) VCF-style: chr3-9776324-A-G.
Other names: c.500A>G, p.Asn167Ser (NM_001319049.2, NM_001319050.2, NM_001410704.1 and 1 more transcripts); short protein forms N167S.
Identifiers: ClinVar variation 3482515 (VCV003482515.2).